The following is an entry in ClinVar:

NM_016406.4(UFC1):c.138C>T (p.Asn46=)

Gene: UFC1 (ubiquitin-fold modifier conjugating enzyme 1; plus strand). Cytogenetic location: 1q23.3.
Variant type: single nucleotide variant.
Coding change: c.138C>T on transcript NM_016406.4 (MANE Select); coding-DNA position 138, C replaced by T.
Protein change: p.Asn46=; no amino-acid change (asparagine 46 retained).
Molecular consequence: synonymous variant.
Genome position (GRCh38, 1-based): chr1:161,156,964, C>T. VCF-style: chr1-161156964-C-T. GRCh37 (hg19) VCF-style: chr1-161126754-C-T.
Identifiers: ClinVar variation 3025418 (VCV003025418.22), dbSNP rs115695944, ClinGen allele CA1206351.

ClinVar aggregate classification (germline): Likely benign (1 of 4 stars; one submission).

Allele frequency attached by ClinVar (database versions not stated): gnomAD 0.00054; ESP Exome Variant Server 0.00069; 1000 Genomes Project 0.00140; 1000 Genomes Project 30x 0.00219.
gnomAD v4.1: 218 of 1,614,200 alleles (0.014%); highest among the groups gnomAD compares: African/African-American, 0.18%; no homozygotes.

Submission:

CeGaT Center for Human Genetics Tuebingen
Classification: Likely benign. Last evaluated: 2023-12-01. Review status: criteria provided, single submitter. Criteria: CeGaT Center For Human Genetics Tuebingen Variant Classification Criteria Version 2. Collection method: clinical testing. Allele origin: germline. Affected: yes. Observed: 1 variant allele.
Comment: UFC1: BP4